The following is an entry in ClinVar:

NC_000022.11:g.40346027G>A

Gene: ADSL (adenylosuccinate lyase; plus strand). Cytogenetic location: 22q13.1.
Variant type: single nucleotide variant.
Genome position: GRCh38 VCF-style: chr22-40346027-G-A. GRCh37 (hg19) VCF-style: chr22-40742031-G-A.
Identifiers: ClinVar variation 1991082 (VCV001991082.2), dbSNP rs544400231, ClinGen allele CA324446493.
Genomic context (GRCh38, chr22:40,346,027, plus strand): 5'-TCTTCATTTCTCCTTAGAGCCGAGCTCGGTGCGCCGCGGGCAGGAGTGGGTGGGGCGACA[G>A]TAATAAGAGTAACAGCAAGCGTACACACGGCCTTCCAAGTGTGCCAGACACCGCTCTAAC-3'

ClinVar aggregate classification (germline): Uncertain significance (1 of 4 stars; one submission).

Conditions:
Adenylosuccinate lyase deficiency (ADSLD). Also called: ADSL DEFICIENCY. Identifiers: Orphanet 46, MedGen C0268126, MONDO:0007068, OMIM 103050.

Allele frequency attached by ClinVar (database versions not stated): TOPMed 0.00001; gnomAD 0.00004; 1000 Genomes Project 0.00020; 1000 Genomes Project 30x 0.00031.

Submission:

Labcorp Genetics (formerly Invitae), Labcorp
Classification: Uncertain significance for Adenylosuccinate lyase deficiency. Last evaluated: 2022-07-23. Review status: criteria provided, single submitter. Criteria: Invitae Variant Classification Sherloc (09022015). Collection method: clinical testing. Allele origin: germline.
Comment: This variant occurs in a non-coding region of the ADSL gene. It does not change the encoded amino acid sequence of the ADSL protein. This variant is present in population databases (rs544400231, gnomAD no frequency). This variant has not been reported in the literature in individuals affected with ADSL-related conditions. In summary, the available evidence is currently insufficient to determine the role of this variant in disease. Therefore, it has been classified as a Variant of Uncertain Significance.